The following is an entry in ClinVar:

NM_001365951.3(KIF1B):c.5409-15G>A

Gene: KIF1B (kinesin family member 1B; plus strand). Cytogenetic location: 1p36.22.
Variant type: single nucleotide variant.
Coding change: c.5409-15G>A on transcript NM_001365951.3 (MANE Select); 15 bases into the intron before coding-DNA position 5409, G replaced by A.
Molecular consequence: intron variant.
Genome position (GRCh38, 1-based): chr1:10,376,530, G>A. VCF-style: chr1-10376530-G-A. GRCh37 (hg19) VCF-style: chr1-10436588-G-A.
Other names: c.5271-15G>A (NM_015074.3); c.5409-15G>A (NM_001365952.1).
Identifiers: ClinVar variation 876277 (VCV000876277.11), dbSNP rs371830018, ClinGen allele CA582351.

ClinVar aggregate classification (germline): Likely benign. Review status: criteria provided, multiple submitters, no conflicts (2 of 4 stars). 2 submissions from 2 submitters: Likely benign (2). Last evaluated 2026-01-25.

Conditions:
Charcot-Marie-Tooth disease type 2. Also called: Charcot-Marie-Tooth type 2. Identifiers: Orphanet 64746, MedGen C0270914, MONDO:0018993.
Neuroblastoma (NB). Identifiers: Orphanet 635, MedGen C0027819, MeSH D009447, MONDO:0005072, HP:0003006.

Allele frequency attached by ClinVar (database versions not stated): ExAC 0.00004; ESP Exome Variant Server 0.00008; gnomAD exomes 0.00015 and 0.00003; gnomAD 0.00007; TOPMed 0.00009.
gnomAD v4.1: 224 of 1,613,466 alleles (0.014%); highest among the groups gnomAD compares: Non-Finnish European, 0.017%; no homozygotes.

Submissions (2):

Labcorp Genetics (formerly Invitae), Labcorp
Classification: Likely benign for Charcot-Marie-Tooth disease type 2. Last evaluated: 2026-01-25. Review status: criteria provided, single submitter. Criteria: Invitae Variant Classification Sherloc (09022015). Collection method: clinical testing. Allele origin: germline.

Illumina Laboratory Services, Illumina
Classification: Likely benign for Neuroblastoma. Last evaluated: 2018-01-13. Review status: criteria provided, single submitter. Criteria: ICSL Variant Classification Criteria 13 December 2019. Collection method: clinical testing. Allele origin: germline.
Comment: This variant was observed in the ICSL laboratory as part of a predisposition screen in an ostensibly healthy population. It had not been previously curated by ICSL or reported in the Human Gene Mutation Database (HGMD: prior to June 1st, 2018), and was therefore a candidate for classification through an automated scoring system. Utilizing variant allele frequency, disease prevalence and penetrance estimates, and inheritance mode, an automated score was calculated to assess if this variant is too frequent to cause the disease. Based on the score and internal cut-off values, a variant classified as likely benign is not then subjected to further curation. The score for this variant resulted in a classification of likely benign for this disease.